The following is an entry in ClinVar:

NM_006208.3(ENPP1):c.2532G>A (p.Thr844=)

Gene: ENPP1 (ectonucleotide pyrophosphatase/phosphodiesterase 1; plus strand). Cytogenetic location: 6q23.2.
Variant type: single nucleotide variant.
Coding change: c.2532G>A on transcript NM_006208.3 (MANE Select); coding-DNA position 2532, G replaced by A.
Protein change: p.Thr844=; no amino-acid change (threonine 844 retained).
Molecular consequence: synonymous variant.
Genome position (GRCh38, 1-based): chr6:131,886,649, G>A. VCF-style: chr6-131886649-G-A. GRCh37 (hg19) VCF-style: chr6-132207789-G-A.
Other names: c.2532G>A (NM_006208.2).
Identifiers: ClinVar variation 2722680 (VCV002722680.5), dbSNP rs569627580, ClinGen allele CA4002562.

ClinVar aggregate classification (germline): Likely benign. Review status: criteria provided, multiple submitters, no conflicts (2 of 4 stars). 3 submissions from 3 submitters: Likely benign (3). Last evaluated 2026-07-01.

Conditions:
ENPP1-related disorder. Also called: ENPP1-related condition; ENPP1-related disorders.

Allele frequency attached by ClinVar (database versions not stated): TOPMed 0.00002; gnomAD exomes 0.00004; gnomAD 0.00006; ExAC 0.00008; 1000 Genomes Project 0.00080; 1000 Genomes Project 30x 0.00109.
gnomAD v4.1: 68 of 1,613,778 alleles (0.0042%); highest among the groups gnomAD compares: South Asian, 0.046%; no homozygotes.

Submissions (3):

PreventionGenetics, part of Exact Sciences
Classification: Likely benign for ENPP1-related condition. Last evaluated: 2026-07-01. Review status: criteria provided, single submitter. Criteria: ACMG Guidelines, 2015. Collection method: clinical testing. Allele origin: germline.
Comment: This variant is classified as likely benign based on ACMG/AMP sequence variant interpretation guidelines (Richards et al. 2015 PMID: 25741868, with internal and published modifications).

Labcorp Genetics (formerly Invitae), Labcorp
Classification: Likely benign. Last evaluated: 2025-11-01. Review status: criteria provided, single submitter. Criteria: Invitae Variant Classification Sherloc (09022015). Collection method: clinical testing. Allele origin: germline.

Women's Health and Genetics/Laboratory Corporation of America, LabCorp
Classification: Likely benign. Last evaluated: 2024-09-17. Review status: criteria provided, single submitter. Criteria: LabCorp Variant Classification Summary - May 2015. Collection method: clinical testing. Allele origin: germline.
Comment: Variant summary: ENPP1 c.2532G>A alters a non-conserved nucleotide resulting in a synonymous change. Consensus agreement among computation tools predict no significant impact on normal splicing. However, these predictions have yet to be confirmed by functional studies. The variant allele was found at a frequency of 5.6e-05 in 251386 control chromosomes (gnomAD). To our knowledge, no occurrence of c.2532G>A in individuals affected with ENPP1-Related Disorders and no experimental evidence demonstrating its impact on protein function have been reported. ClinVar contains an entry for this variant (Variation ID: 2722680). Based on the evidence outlined above, the variant was classified as likely benign.